The following is an entry in ClinVar:

NM_007194.4(CHEK2):c.746A>G (p.Lys249Arg)

Gene: CHEK2 (checkpoint kinase 2; minus strand). Cytogenetic location: 22q12.1.
Variant type: single nucleotide variant.
Coding change: c.746A>G on transcript NM_007194.4 (MANE Select); coding-DNA position 746, A replaced by G.
Protein change: p.Lys249Arg; replaces lysine 249 with arginine.
Molecular consequence: missense variant.
Genome position (GRCh38, 1-based): chr22:28,711,955, T>C on the plus strand (A>G on the coding strand, the complement: CHEK2 is on the minus strand). VCF-style: chr22-28711955-T-C. GRCh37 (hg19) VCF-style: chr22-29107943-T-C.
Other names: c.875A>G, p.Lys292Arg (NM_001005735.3); c.83A>G, p.Lys28Arg (NM_001257387.3); c.545A>G, p.Lys182Arg (NM_001349956.3); c.746A>G, p.Lys249Arg (NM_145862.3); short protein forms K249R, K292R, K182R, K28R.
Identifiers: ClinVar variation 1759044 (VCV001759044.5), dbSNP rs1601783227, ClinGen allele CA411103239.
Genomic context (GRCh38, chr22:28,711,955, plus strand): 5'-TTATTGGTACTTACTGCCTCTCTTGCTGAACCAATAGCAAACTTCCTTTTGCTGATGATC[T>C]TTATGGCTACTTTCTTACATGTTTTCCTCTCGAAAGCCAGCTTTACCTCTCCACAGGCAC-3'
Protein context (NP_009125.1, residues 239-259): ERKTCKKVAI[Lys249Arg]IISKRKFAIG

ClinVar aggregate classification (germline): Uncertain significance. Review status: criteria provided, multiple submitters, no conflicts (2 of 4 stars). 2 submissions from 2 submitters: Uncertain significance (2). Last evaluated 2023-02-11.

Conditions:
Hereditary cancer-predisposing syndrome. Also called: Neoplastic Syndromes, Hereditary; Tumor predisposition; Hereditary Cancer Syndrome; Hereditary neoplastic syndrome. Identifiers: Orphanet 140162, MedGen C0027672, MeSH D009386, MONDO:0015356.
Familial cancer of breast. Also called: Hereditary breast cancer; BREAST CANCER, FAMILIAL; hereditary breast carcinoma. Identifiers: Orphanet 227535, MedGen C0346153, MONDO:0016419, OMIM 114480. Disease mechanism: loss of function.

Submissions (2):

Labcorp Genetics (formerly Invitae), Labcorp
Classification: Uncertain significance for Familial cancer of breast. Last evaluated: 2023-02-11. Review status: criteria provided, single submitter. Criteria: Invitae Variant Classification Sherloc (09022015). Collection method: clinical testing. Allele origin: germline.
Comment: In summary, the available evidence is currently insufficient to determine the role of this variant in disease. Therefore, it has been classified as a Variant of Uncertain Significance. Experimental studies have shown that this missense change affects CHEK2 function (PMID: 11390408, 14681223, 30902968, 34903604). Algorithms developed to predict the effect of missense changes on protein structure and function are either unavailable or do not agree on the potential impact of this missense change (SIFT: "Deleterious"; PolyPhen-2: "Probably Damaging"; Align-GVGD: "Class C0"). ClinVar contains an entry for this variant (Variation ID: 1759044). This variant has not been reported in the literature in individuals affected with CHEK2-related conditions. This variant is not present in population databases (gnomAD no frequency). This sequence change replaces lysine, which is basic and polar, with arginine, which is basic and polar, at codon 249 of the CHEK2 protein (p.Lys249Arg).

Ambry Genetics
Classification: Uncertain significance for Hereditary cancer-predisposing syndrome. Last evaluated: 2021-02-18. Review status: criteria provided, single submitter. Criteria: Ambry Variant Classification Scheme 2023. Collection method: clinical testing. Allele origin: germline.
Comment: The p.K249R variant (also known as c.746A>G), located in coding exon 5 of the CHEK2 gene, results from an A to G substitution at nucleotide position 746. The lysine at codon 249 is replaced by arginine, an amino acid with highly similar properties. This amino acid position is highly conserved in available vertebrate species. In addition, this alteration is predicted to be deleterious by in silico analysis. Since supporting evidence is limited at this time, the clinical significance of this alteration remains unclear.

Literature cited by the submitters: PubMed 11390408 (cited by Labcorp Genetics (formerly Invitae), Labcorp); PubMed 14681223 (cited by Labcorp Genetics (formerly Invitae), Labcorp); PubMed 30902968 (cited by Labcorp Genetics (formerly Invitae), Labcorp); PubMed 34903604 (cited by Labcorp Genetics (formerly Invitae), Labcorp).